The following is an entry in ClinVar:

NM_133433.4(NIPBL):c.4561-9T>A

Gene: NIPBL (NIPBL cohesin loading factor; plus strand). Cytogenetic location: 5p13.2.
Variant type: single nucleotide variant.
Coding change: c.4561-9T>A on transcript NM_133433.4 (MANE Select); 9 bases into the intron before coding-DNA position 4561, T replaced by A.
Molecular consequence: intron variant.
Genome position (GRCh38, 1-based): chr5:37,014,674, T>A. VCF-style: chr5-37014674-T-A. GRCh37 (hg19) VCF-style: chr5-37014776-T-A.
Other names: c.4561-9T>A (NM_015384.5).
Identifiers: ClinVar variation 96342 (VCV000096342.29), dbSNP rs79924167, ClinGen allele CA149449.

ClinVar aggregate classification (germline): Benign/Likely benign. Review status: criteria provided, multiple submitters, no conflicts (2 of 4 stars). 9 submissions from 9 submitters: Benign (7); Likely benign (2). Last evaluated 2026-02-03.

Conditions:
Cornelia de Lange syndrome 1 (CDLS1). Also called: Brachmann de Lange syndrome; NIPBL-Related Cornelia de Lange Syndrome; TYPUS DEGENERATIVUS AMSTELODAMENSIS. Identifiers: Orphanet 199, MedGen C4551851, MONDO:0007387, OMIM 122470.

Allele frequency attached by ClinVar (database versions not stated): gnomAD 0.02006 and 0.02103; ESP Exome Variant Server 0.02369; ExAC 0.00922; 1000 Genomes Project 30x 0.02561; gnomAD exomes 0.00487 and 0.00798; TOPMed 0.02308; 1000 Genomes Project 0.02256.
gnomAD v4.1: 10,114 of 1,574,622 alleles (0.64%); highest among the groups gnomAD compares: African/African-American, 6.4%; 178 homozygotes.

Submissions (18):

Labcorp Genetics (formerly Invitae), Labcorp
Classification: Benign for Cornelia de Lange syndrome 1. Last evaluated: 2026-02-03. Review status: criteria provided, single submitter. Criteria: Invitae Variant Classification Sherloc (09022015). Collection method: clinical testing. Allele origin: germline.

Genome-Nilou Lab
Classification: Benign for Cornelia de Lange syndrome 1. Last evaluated: 2021-07-15. Review status: criteria provided, single submitter. Criteria: ACMG Guidelines, 2015. Collection method: clinical testing. Allele origin: germline. Affected: no.

Athena Diagnostics
Classification: Benign. Last evaluated: 2019-11-01. Review status: criteria provided, single submitter. Criteria: Athena Diagnostics Criteria. Collection method: clinical testing. Allele origin: unknown.

Illumina Laboratory Services, Illumina
Classification: Likely benign for Cornelia de Lange syndrome 1. Last evaluated: 2017-04-27. Review status: criteria provided, single submitter. Criteria: ICSL Variant Classification Criteria 13 December 2019. Collection method: clinical testing. Allele origin: germline.
Comment: This variant was observed as part of a predisposition screen in an ostensibly healthy population. A literature search was performed for the gene, cDNA change, and amino acid change (where applicable). Publications were found based on this search. The evidence from the literature, in combination with allele frequency data from public databases where available, was sufficient to determine this variant is unlikely to cause disease. Therefore, this variant is classified as likely benign.

GeneDx
Classification: Benign. Last evaluated: 2015-03-03. Review status: criteria provided, single submitter. Criteria: GeneDx Variant Classification Process June 2021. Collection method: clinical testing. Allele origin: germline. Affected: yes.

Genetic Services Laboratory, University of Chicago
Classification: Benign. Last evaluated: 2013-02-08. Review status: criteria provided, single submitter. Criteria: ACMG Guidelines, 2007. Collection method: clinical testing. Allele origin: germline. Inheritance: Autosomal dominant inheritance.

Eurofins Ntd Llc (ga)
Classification: Benign. Last evaluated: 2013-01-23. Review status: criteria provided, single submitter. Criteria: EGL Classification Definitions 2015. Collection method: clinical testing. Allele origin: germline. Observed: 2 variant alleles, 2 heterozygotes.

Breakthrough Genomics
Classification: Likely benign. Review status: criteria provided, single submitter. Criteria: ACMG Guidelines, 2015. Collection method: not provided. Allele origin: germline. Inheritance: Autosomal dominant inheritance. Affected: yes.

PreventionGenetics, part of Exact Sciences
Classification: Benign. Review status: criteria provided, single submitter. Criteria: ACMG Guidelines, 2015. Collection method: clinical testing. Allele origin: germline.

Dr. Peter K. Rogan Lab, Western University
No classification provided (evidence only). Condition: Clear cell carcinoma of kidney. Review status: no classification provided. Collection method: in vitro. Allele origin: not applicable. Functional consequence: retained intron. Not counted in ClinVar's aggregate classification.

Dr. Peter K. Rogan Lab, Western University
No classification provided (evidence only). Condition: Acute myeloid leukemia. Review status: no classification provided. Collection method: in vitro. Allele origin: not applicable. Functional consequence: retained intron. Not counted in ClinVar's aggregate classification.

Dr. Peter K. Rogan Lab, Western University
No classification provided (evidence only). Condition: Acute myeloid leukemia. Review status: no classification provided. Collection method: in vitro. Allele origin: not applicable. Functional consequence: retained intron. Not counted in ClinVar's aggregate classification.

Dr. Peter K. Rogan Lab, Western University
No classification provided (evidence only). Condition: Uterine corpus endometrial carcinoma. Review status: no classification provided. Collection method: in vitro. Allele origin: not applicable. Functional consequence: retained intron. Not counted in ClinVar's aggregate classification.

Dr. Peter K. Rogan Lab, Western University
No classification provided (evidence only). Condition: Cervical cancer. Review status: no classification provided. Collection method: in vitro. Allele origin: not applicable. Functional consequence: retained intron. Not counted in ClinVar's aggregate classification.

Dr. Peter K. Rogan Lab, Western University
No classification provided (evidence only). Condition: Cervical cancer. Review status: no classification provided. Collection method: in vitro. Allele origin: not applicable. Functional consequence: retained intron. Not counted in ClinVar's aggregate classification.

Dr. Peter K. Rogan Lab, Western University
No classification provided (evidence only). Condition: Sarcoma. Review status: no classification provided. Collection method: in vitro. Allele origin: not applicable. Functional consequence: retained intron. Not counted in ClinVar's aggregate classification.

Dr. Peter K. Rogan Lab, Western University
No classification provided (evidence only). Condition: Gastric cancer. Review status: no classification provided. Collection method: in vitro. Allele origin: not applicable. Functional consequence: retained intron. Not counted in ClinVar's aggregate classification.

Dr. Peter K. Rogan Lab, Western University
No classification provided (evidence only). Condition: Malignant tumor of esophagus. Review status: no classification provided. Collection method: in vitro. Allele origin: not applicable. Functional consequence: retained intron. Not counted in ClinVar's aggregate classification.

Literature cited by the submitters: PubMed 15318302 (cited by Illumina Laboratory Services, Illumina).